The following is an entry in ClinVar:

ClinVar aggregate classification (germline): Uncertain significance (1 of 4 stars; one submission).

Conditions:
Dilated cardiomyopathy 1G (CMD1G). Identifiers: Orphanet 154, MedGen C1858763, MONDO:0011400, OMIM 604145.
Autosomal recessive limb-girdle muscular dystrophy type 2J (LGMDR10). Also called: Limb-girdle muscular dystrophy, type 2J; MUSCULAR DYSTROPHY, LIMB-GIRDLE, AUTOSOMAL RECESSIVE 10. Identifiers: Orphanet 140922, MedGen C1837342, MONDO:0012127, OMIM 608807.

Allele frequency attached by ClinVar (database versions not stated): gnomAD exomes below 0.00001; gnomAD 0.00001; TOPMed 0.00001.
gnomAD v4.1: 2 of 1,613,822 alleles (0.00012%); highest among the groups gnomAD compares: Non-Finnish European, 0.00017%; no homozygotes.

Submission:

Labcorp Genetics (formerly Invitae), Labcorp
Classification: Uncertain significance for Dilated cardiomyopathy 1G; Autosomal recessive limb-girdle muscular dystrophy type 2J. Last evaluated: 2020-11-04. Review status: criteria provided, single submitter. Criteria: Invitae Variant Classification Sherloc (09022015). Collection method: clinical testing. Allele origin: germline.
Comment: This variant is not present in population databases (ExAC no frequency). This sequence change replaces lysine with asparagine at codon 34297 of the TTN protein (p.Lys34297Asn). There is a moderate physicochemical difference between lysine and asparagine. This variant has not been reported in the literature in individuals with TTN-related conditions. Algorithms developed to predict the effect of missense changes on protein structure and function are unavailable for the TTN gene. In summary, the available evidence is currently insufficient to determine the role of this variant in disease. Therefore, it has been classified as a Variant of Uncertain Significance. This variant is located in the M band of TTN (PMID: 25589632). Variants in this region may be relevant for neuromuscular disorders, but have not been definitively shown to cause cardiomyopathy (PMID: 23975875).

Literature cited by the submitters: PubMed 25589632; PubMed 23975875.

NM_001267550.2(TTN):c.102891A>C (p.Lys34297Asn)

Genes: TTN (titin; minus strand), TTN-AS1 (TTN antisense RNA 1; plus strand). Cytogenetic location: 2q31.2.
Variant type: single nucleotide variant.
Coding change: c.102891A>C on transcript NM_001267550.2 (MANE Select); coding-DNA position 102891, A replaced by C.
Protein change: p.Lys34297Asn; replaces lysine 34297 with asparagine.
Molecular consequence: missense variant.
Genome position (GRCh38, 1-based): chr2:178,533,724, T>G on the plus strand (A>C on the coding strand, the complement: TTN is on the minus strand). VCF-style: chr2-178533724-T-G. GRCh37 (hg19) VCF-style: chr2-179398451-T-G.
Other names: c.97968A>C, p.Lys32656Asn (NM_001256850.1); c.75696A>C, p.Lys25232Asn (NM_003319.4); c.95187A>C, p.Lys31729Asn (NM_133378.4); c.76071A>C, p.Lys25357Asn (NM_133432.3); c.76272A>C, p.Lys25424Asn (NM_133437.4); short protein forms K25424N, K25232N, K25357N, K32656N, K34297N, K31729N.
Identifiers: ClinVar variation 1525037 (VCV001525037.6), dbSNP rs1019464699, ClinGen allele CA60957714.